The following is an entry in ClinVar:

ClinVar aggregate classification (germline): Uncertain significance (1 of 4 stars; one submission).

Conditions:
Hereditary sensory and autonomic neuropathy type 6. Also called: HSAN VI; Neuropathy, hereditary sensory and autonomic, type VI. Identifiers: Orphanet 314381, MedGen C3539003, MONDO:0013839, OMIM 614653.
Epidermolysis bullosa simplex 3, localized or generalized intermediate, with BP230 deficiency (EBS3). Also called: Epidermolysis bullosa simplex due to BP230 deficiency; Epidermolysis bullosa simplex, autosomal recessive 2. Identifiers: Orphanet 412181, MedGen C3809470, MONDO:0014180, OMIM 615425.

Submission:

Labcorp Genetics (formerly Invitae), Labcorp
Classification: Uncertain significance for Epidermolysis bullosa simplex 3, localized or generalized intermediate, with BP230 deficiency; Hereditary sensory and autonomic neuropathy type 6. Last evaluated: 2022-07-19. Review status: criteria provided, single submitter. Criteria: Invitae Variant Classification Sherloc (09022015). Collection method: clinical testing. Allele origin: germline.
Comment: In summary, the available evidence is currently insufficient to determine the role of this variant in disease. Therefore, it has been classified as a Variant of Uncertain Significance. Experimental studies and prediction algorithms are not available or were not evaluated, and the functional significance of this variant is currently unknown. This variant has not been reported in the literature in individuals affected with DST-related conditions. This variant is not present in population databases (gnomAD no frequency). This sequence change replaces serine, which is neutral and polar, with alanine, which is neutral and non-polar, at codon 1156 of the DST protein (p.Ser1156Ala). The DST gene has multiple clinically relevant transcripts. This variant occurs in alternate transcript NM_015548.4, and corresponds to NM_001723.5:c.*3939T>G in the primary transcript.

NM_001374736.1(DST):c.5077T>G (p.Ser1693Ala)

Gene: DST (dystonin; minus strand). Cytogenetic location: 6p12.1.
Variant type: single nucleotide variant.
Coding change: c.5077T>G on transcript NM_001374736.1 (MANE Select); coding-DNA position 5077, T replaced by G.
Protein change: p.Ser1693Ala; replaces serine 1693 with alanine.
Molecular consequence: missense variant.
Genome position (GRCh38, 1-based): chr6:56,611,578, A>C on the plus strand (T>G on the coding strand, the complement: DST is on the minus strand). VCF-style: chr6-56611578-A-C. GRCh37 (hg19) VCF-style: chr6-56476376-A-C.
Other names: c.4978T>G, p.Ser1660Ala (NM_001144769.5); c.4564T>G, p.Ser1522Ala (NM_001144770.2); c.5077T>G, p.Ser1693Ala (NM_001374722.1); c.4444T>G, p.Ser1482Ala (NM_001374729.1, NM_001374730.1, NM_001386100.1 and 1 more transcripts); c.5104T>G, p.Ser1702Ala (NM_001374734.1); c.3466T>G, p.Ser1156Ala (NM_015548.5); short protein forms S1660A, S1693A, S1522A, S1702A, S1156A, S1482A.
Identifiers: ClinVar variation 1959411 (VCV001959411.5), dbSNP rs763799764, ClinGen allele CA364561532.